The following is an entry in ClinVar:

ClinVar aggregate classification (germline): Uncertain significance (1 of 4 stars; one submission).

Conditions:
RYR1-related disorder. Also called: RYR1-related condition; RYR1-related disorders. Identifiers: MedGen CN239331.

gnomAD v4.1: 2 of 1,614,012 alleles (0.00012%); highest among the groups gnomAD compares: Non-Finnish European, 0.00017%; no homozygotes.

Submission:

Labcorp Genetics (formerly Invitae), Labcorp
Classification: Uncertain significance for RYR1-related disorder. Last evaluated: 2021-08-30. Review status: criteria provided, single submitter. Criteria: Invitae Variant Classification Sherloc (09022015). Collection method: clinical testing. Allele origin: germline.
Comment: This sequence change replaces proline with serine at codon 454 of the RYR1 protein (p.Pro454Ser). The proline residue is moderately conserved and there is a moderate physicochemical difference between proline and serine. This variant is not present in population databases (ExAC no frequency). This variant has not been reported in the literature in individuals affected with RYR1-related conditions. Algorithms developed to predict the effect of missense changes on protein structure and function are either unavailable or do not agree on the potential impact of this missense change (SIFT: "Tolerated"; PolyPhen-2: "Possibly Damaging"; Align-GVGD: "Class C0"). In summary, the available evidence is currently insufficient to determine the role of this variant in disease. Therefore, it has been classified as a Variant of Uncertain Significance.

NM_000540.3(RYR1):c.1360C>T (p.Pro454Ser)

Gene: RYR1 (ryanodine receptor 1; plus strand). Cytogenetic location: 19q13.2.
Variant type: single nucleotide variant.
Coding change: c.1360C>T on transcript NM_000540.3 (MANE Select); coding-DNA position 1360, C replaced by T.
Protein change: p.Pro454Ser; replaces proline 454 with serine.
Molecular consequence: missense variant.
Genome position (GRCh38, 1-based): chr19:38,452,934, C>T. VCF-style: chr19-38452934-C-T. GRCh37 (hg19) VCF-style: chr19-38943574-C-T.
Other names: c.1360C>T, p.Pro454Ser (NM_001042723.2); short protein forms P454S.
Identifiers: ClinVar variation 1023548 (VCV001023548.6), dbSNP rs1967157631, ClinGen allele CA405686106.